The following is an entry in ClinVar:

ClinVar aggregate classification (germline): Uncertain significance (1 of 4 stars; one submission).

Allele frequency attached by ClinVar (database versions not stated): TOPMed below 0.00001.
gnomAD v4.1: 1 of 1,613,348 alleles (0.000062%); no homozygotes.

Submission:

Labcorp Genetics (formerly Invitae), Labcorp
Classification: Uncertain significance. Last evaluated: 2024-10-23. Review status: criteria provided, single submitter. Criteria: Invitae Variant Classification Sherloc (09022015). Collection method: clinical testing. Allele origin: germline.
Comment: This sequence change replaces aspartic acid, which is acidic and polar, with alanine, which is neutral and non-polar, at codon 183 of the PACS2 protein (p.Asp183Ala). This variant is present in population databases (no rsID available, gnomAD 0.003%). This variant has not been reported in the literature in individuals affected with PACS2-related conditions. An algorithm developed to predict the effect of missense changes on protein structure and function (PolyPhen-2) suggests that this variant is likely to be tolerated. In summary, the available evidence is currently insufficient to determine the role of this variant in disease. Therefore, it has been classified as a Variant of Uncertain Significance.

NM_001100913.3(PACS2):c.548A>C (p.Asp183Ala)

Gene: PACS2 (phosphofurin acidic cluster sorting protein 2; plus strand). Cytogenetic location: 14q32.33.
Variant type: single nucleotide variant.
Coding change: c.548A>C on transcript NM_001100913.3 (MANE Select); coding-DNA position 548, A replaced by C.
Protein change: p.Asp183Ala; replaces aspartic acid 183 with alanine.
Molecular consequence: missense variant.
Genome position (GRCh38, 1-based): chr14:105,367,337, A>C. VCF-style: chr14-105367337-A-C. GRCh37 (hg19) VCF-style: chr14-105833674-A-C.
Other names: c.347A>C, p.Asp116Ala (NM_001243127.3); c.548A>C, p.Asp183Ala (NM_015197.4); short protein forms D116A, D183A.
Identifiers: ClinVar variation 2992271 (VCV002992271.3), dbSNP rs897491909, ClinGen allele CA266564945.